The following is an entry in ClinVar:

NM_000548.5(TSC2):c.479T>C (p.Leu160Pro)

Gene: TSC2 (TSC complex subunit 2; plus strand). Cytogenetic location: 16p13.3.
Variant type: single nucleotide variant.
Coding change: c.479T>C on transcript NM_000548.5 (MANE Select); coding-DNA position 479, T replaced by C.
Protein change: p.Leu160Pro; replaces leucine 160 with proline.
Molecular consequence: missense variant. On other transcripts: intron variant (1).
Genome position (GRCh38, 1-based): chr16:2,054,438, T>C. VCF-style: chr16-2054438-T-C. GRCh37 (hg19) VCF-style: chr16-2104439-T-C.
Other names: c.479T>C, p.Leu160Pro (NM_001077183.3, NM_001114382.3, NM_001363528.2 and 8 more transcripts); c.368T>C, p.Leu123Pro (NM_001318827.2, NM_001406670.1, NM_001406678.1); c.332T>C, p.Leu111Pro (NM_001318829.2, NM_001406675.1, NM_001406676.1 and 1 more transcripts); c.512T>C, p.Leu171Pro (NM_001318832.2); c.569T>C, p.Leu190Pro (NM_001406667.1, NM_001406668.1); c.422T>C, p.Leu141Pro (NM_001406677.1); c.-338T>C (NM_001406680.1, NM_001406683.1, NM_001406687.1); c.34T>C, p.Trp12Arg (NM_001406681.1); and 6 more; short protein forms L123P, L171P, L190P, L160P, L111P, L141P, W12R.
Identifiers: ClinVar variation 2108645 (VCV002108645.4), dbSNP rs1555497725, ClinGen allele CA394308594.
Genomic context (GRCh38, chr16:2,054,438, plus strand): 5'-TGGAGGTTTTCAAGGCCCTCACAGACAATGGGAGACACATCACCTACTTGGAGGAAGAGC[T>C]GGGTGGGTGCCACCTTGGGTTGGAGGTTTCTCTGGCCTTGACGATCAAGTGTAACCTGGA-3'
Protein context (NP_000539.2, residues 150-170): GRHITYLEEE[Leu160Pro]ADFVLQWMDV

ClinVar aggregate classification (germline): Uncertain significance (1 of 4 stars; one submission).

Conditions:
Tuberous sclerosis 2 (TSC2). Identifiers: Orphanet 805, MedGen C1860707, MONDO:0013199, OMIM 613254.

Submission:

Labcorp Genetics (formerly Invitae), Labcorp
Classification: Uncertain significance for Tuberous sclerosis 2. Last evaluated: 2022-09-01. Review status: criteria provided, single submitter. Criteria: Invitae Variant Classification Sherloc (09022015). Collection method: clinical testing. Allele origin: germline.
Comment: In summary, the available evidence is currently insufficient to determine the role of this variant in disease. Therefore, it has been classified as a Variant of Uncertain Significance. Algorithms developed to predict the effect of missense changes on protein structure and function are either unavailable or do not agree on the potential impact of this missense change (SIFT: "Deleterious"; PolyPhen-2: "Probably Damaging"; Align-GVGD: "Class C0"). This variant has not been reported in the literature in individuals affected with TSC2-related conditions. This variant is not present in population databases (gnomAD no frequency). This sequence change replaces leucine, which is neutral and non-polar, with proline, which is neutral and non-polar, at codon 160 of the TSC2 protein (p.Leu160Pro).